The following is an entry in ClinVar:

NM_001163435.3(TBCK):c.557A>G (p.Asp186Gly)

Gene: TBCK (TBC1 domain containing kinase; minus strand). Cytogenetic location: 4q24.
Variant type: single nucleotide variant.
Coding change: c.557A>G on transcript NM_001163435.3 (MANE Select); coding-DNA position 557, A replaced by G.
Protein change: p.Asp186Gly; replaces aspartic acid 186 with glycine.
Molecular consequence: missense variant. On other transcripts: intron variant (1).
Genome position (GRCh38, 1-based): chr4:106,251,906, T>C on the plus strand (A>G on the coding strand, the complement: TBCK is on the minus strand). VCF-style: chr4-106251906-T-C. GRCh37 (hg19) VCF-style: chr4-107173063-T-C.
Other names: NM_001163435.3(TBCK):c.557A>G; p.Asp186Gly; c.557A>G, p.Asp186Gly (NM_001163436.4); c.41A>G, p.Asp14Gly (NM_001290768.2); c.368A>G, p.Asp123Gly (NM_033115.5); c.480+77A>G (NM_001163437.3); short protein forms D123G, D14G, D186G.
Identifiers: ClinVar variation 1185557 (VCV001185557.5), dbSNP rs2150065916, ClinGen allele CA357825454.

ClinVar aggregate classification (germline): Conflicting classifications of pathogenicity. Review status: criteria provided, conflicting classifications (1 of 4 stars). 2 submissions from 2 submitters: Likely pathogenic (1); Uncertain significance (1). Last evaluated 2025-01-15.

Conditions:
Hypotonia, infantile, with psychomotor retardation and characteristic facies 3 (IHPRF3). Also called: TBCK-Related Neurodevelopmental Disorder. Identifiers: Orphanet 488632, MedGen C5567480, MONDO:0014823, OMIM 616900.

gnomAD v4.1: 1 of 1,610,760 alleles (0.000062%); highest among the groups gnomAD compares: South Asian, 0.0011%; no homozygotes.

Submissions (2):

Broad Center for Mendelian Genomics, Broad Institute of MIT and Harvard
Classification: Uncertain significance for Hypotonia, infantile, with psychomotor retardation and characteristic facies 3. Last evaluated: 2025-01-15. Review status: criteria provided, single submitter. Criteria: ACMG Guidelines, 2015. Collection method: curation. Allele origin: germline. Inheritance: Autosomal recessive inheritance.
Comment: The p.Asp186Gly variant in TBCK has been reported in 2 siblings, in the compound heterozygous state, with TBCK-related intellectual disability syndrome ( PMID: 38374498), and has been identified in 0.001% (1/90436) of South Asian chromosomes by the Genome Aggregation Database (gnomAD; dbSNP rs2150065916). Although this variant has been seen in the general population in a heterozygous state, its frequency is low enough to be consistent with a recessive carrier frequency. This variant has also been reported in ClinVar (Variation ID: 1185557) and has been interpreted as likely pathogenic by Kasturba Medical College (Manipal Academy of Higher Education, Manipal, India). Computational prediction tools and conservation analyses suggest that this variant may impact the protein, though this information is not predictive enough to determine pathogenicity. In summary, while there is some suspicion for a pathogenic role, the clinical significance of this variant is uncertain. ACMG/AMP Criteria applied: PM3, PP3, PM2_supporting (Richards 2015).

Kasturba Medical College, Manipal, Kasturba Medical College, Manipal, Manipal Academy of Higher Education, Manipal, India
Classification: Likely pathogenic for Hypotonia, infantile, with psychomotor retardation and characteristic facies 3. Last evaluated: 2021-04-04. Review status: criteria provided, single submitter. Criteria: ACMG Guidelines, 2015. Collection method: clinical testing. Allele origin: maternal. Inheritance: Autosomal recessive inheritance. Affected: yes. Observed: 1 variant allele, 1 compound heterozygote.